The following is an entry in ClinVar:

ClinVar aggregate classification (germline): Uncertain significance. Review status: criteria provided, multiple submitters, no conflicts (2 of 4 stars). 2 submissions from 2 submitters: Uncertain significance (2). Last evaluated 2024-05-22.

Allele frequency attached by ClinVar (database versions not stated): gnomAD 0.00001; ExAC 0.00002; gnomAD exomes 0.00002; 1000 Genomes Project 30x 0.00016; 1000 Genomes Project 0.00020.
gnomAD v4.1: 8 of 1,614,050 alleles (0.0005%); highest among the groups gnomAD compares: South Asian, 0.0077%; no homozygotes.

Submissions (2):

Labcorp Genetics (formerly Invitae), Labcorp
Classification: Uncertain significance. Last evaluated: 2024-05-22. Review status: criteria provided, single submitter. Criteria: Invitae Variant Classification Sherloc (09022015). Collection method: clinical testing. Allele origin: germline.
Comment: This sequence change replaces valine, which is neutral and non-polar, with isoleucine, which is neutral and non-polar, at codon 553 of the ABCC6 protein (p.Val553Ile). This variant is present in population databases (rs558508305, gnomAD 0.02%). This variant has not been reported in the literature in individuals affected with ABCC6-related conditions. ClinVar contains an entry for this variant (Variation ID: 1395341). Algorithms developed to predict the effect of missense changes on protein structure and function output the following: SIFT: "Not Available"; PolyPhen-2: "Benign"; Align-GVGD: "Not Available". The isoleucine amino acid residue is found in multiple mammalian species, which suggests that this missense change does not adversely affect protein function. In summary, the available evidence is currently insufficient to determine the role of this variant in disease. Therefore, it has been classified as a Variant of Uncertain Significance.

Revvity Omics, Revvity
Classification: Uncertain significance. Last evaluated: 2022-10-18. Review status: criteria provided, single submitter. Criteria: ACMG Guidelines, 2015. Collection method: clinical testing. Allele origin: germline.

NM_001171.6(ABCC6):c.1657G>A (p.Val553Ile)

Gene: ABCC6 (ATP binding cassette subfamily C member 6; minus strand). Cytogenetic location: 16p13.11.
Variant type: single nucleotide variant.
Coding change: c.1657G>A on transcript NM_001171.6 (MANE Select); coding-DNA position 1657, G replaced by A.
Protein change: p.Val553Ile; replaces valine 553 with isoleucine.
Molecular consequence: missense variant. On other transcripts: non-coding transcript variant (1).
Genome position (GRCh38, 1-based): chr16:16,188,953, C>T on the plus strand (G>A on the coding strand, the complement: ABCC6 is on the minus strand). VCF-style: chr16-16188953-C-T. GRCh37 (hg19) VCF-style: chr16-16282810-C-T.
Other names: c.1315G>A, p.Val439Ile (NM_001351800.1); c.1657G>A (NM_001171.5); short protein forms V553I, V439I.
Identifiers: ClinVar variation 1395341 (VCV001395341.8), dbSNP rs558508305, ClinGen allele CA7926208.